The following is an entry in ClinVar:

NM_001008537.3(NEXMIF):c.1002A>C (p.Gln334His)

Gene: NEXMIF (neurite extension and migration factor; minus strand). Cytogenetic location: Xq13.3.
Variant type: single nucleotide variant.
Coding change: c.1002A>C on transcript NM_001008537.3 (MANE Select); coding-DNA position 1002, A replaced by C.
Protein change: p.Gln334His; replaces glutamine 334 with histidine.
Molecular consequence: missense variant.
Genome position (GRCh38, 1-based): chrX:74,743,555, T>G on the plus strand (A>C on the coding strand, the complement: NEXMIF is on the minus strand). VCF-style: chrX-74743555-T-G. GRCh37 (hg19) VCF-style: chrX-73963390-T-G.
Other names: short protein forms Q334H.
Identifiers: ClinVar variation 963568 (VCV000963568.9), dbSNP rs2080115341, ClinGen allele CA413671878.
Genomic context (GRCh38, chrX:74,743,555, plus strand): 5'-GGCCCCACTCTTAGACTCTCGCTTGGGGCAGGTAGTAAAGACGCTGGGAAAAAAGTTGAA[T>G]TGGGCATCTTCCTGCATCAAAAGAGTAGTCTTGTCTCGAACATTGTCCTGAAAGGATTCA-3'
Protein context (NP_001008537.1, residues 324-344): KTTLLMQEDA[Gln334His]FNFFPSVFTT

ClinVar aggregate classification (germline): Uncertain significance (1 of 4 stars; one submission).

Submission:

Labcorp Genetics (formerly Invitae), Labcorp
Classification: Uncertain significance. Last evaluated: 2019-10-21. Review status: criteria provided, single submitter. Criteria: Invitae Variant Classification Sherloc (09022015). Collection method: clinical testing. Allele origin: germline.
Comment: In summary, the available evidence is currently insufficient to determine the role of this variant in disease. Therefore, it has been classified as a Variant of Uncertain Significance. Algorithms developed to predict the effect of missense changes on protein structure and function are either unavailable or do not agree on the potential impact of this missense change (SIFT: "Deleterious"; PolyPhen-2: "Probably Damaging"; Align-GVGD: "Class C15"). This variant has not been reported in the literature in individuals with NEXMIF-related conditions. This variant is not present in population databases (ExAC no frequency). This sequence change replaces glutamine with histidine at codon 334 of the NEXMIF protein (p.Gln334His). The glutamine residue is highly conserved and there is a small physicochemical difference between glutamine and histidine.